The following is an entry in ClinVar:

NM_005462.5(MAGEC1):c.1024A>G (p.Met342Val)

Gene: MAGEC1 (MAGE family member C1; plus strand). Cytogenetic location: Xq27.2.
Variant type: single nucleotide variant.
Coding change: c.1024A>G on transcript NM_005462.5 (MANE Select); coding-DNA position 1024, A replaced by G.
Protein change: p.Met342Val; replaces methionine 342 with valine.
Molecular consequence: missense variant.
Genome position (GRCh38, 1-based): chrX:141,906,428, A>G. VCF-style: chrX-141906428-A-G. GRCh37 (hg19) VCF-style: chrX-140994214-A-G.
Other names: c.1024A>G (NM_005462.4); short protein forms M342V.
Identifiers: ClinVar variation 2661564 (VCV002661564.25), dbSNP rs57528288, ClinGen allele CA10533497.

ClinVar aggregate classification (germline): Likely benign. Review status: criteria provided, multiple submitters, no conflicts (2 of 4 stars). 2 submissions from 2 submitters: Likely benign (2). Last evaluated 2026-08-01.

Allele frequency attached by ClinVar (database versions not stated): gnomAD exomes 0.00010; ExAC 0.00022; gnomAD 0.00024; 1000 Genomes Project 0.00053.

Submissions (2):

CeGaT Center for Human Genetics Tuebingen
Classification: Likely benign. Last evaluated: 2026-08-01. Review status: criteria provided, single submitter. Criteria: CeGaT Center For Human Genetics Tuebingen Variant Classification Criteria Version 2. Collection method: clinical testing. Allele origin: germline. Affected: yes. Observed: 10 variant alleles.
Comment: MAGEC1: BP4, BS2

Ambry Genetics
Classification: Likely benign. Last evaluated: 2023-02-16. Review status: criteria provided, single submitter. Criteria: Ambry Variant Classification Scheme 2023. Collection method: clinical testing. Allele origin: germline.